The following is an entry in ClinVar:

NM_001253852.3(AP4B1):c.1317dup (p.Ile440fs)

Genes: AP4B1 (adaptor related protein complex 4 subunit beta 1; minus strand), AP4B1-AS1 (AP4B1 antisense RNA 1; plus strand). Cytogenetic location: 1p13.2.
Variant type: Duplication.
Coding change: c.1317dup on transcript NM_001253852.3 (MANE Select); coding-DNA position 1317, one base duplicated (T; older notation c.1317dupT).
Protein change: p.Ile440fs; shifts the reading frame from isoleucine 440.
Molecular consequence: frameshift variant.
Genome position (GRCh38, 1-based): chr1:113,896,451, A duplicated on the plus strand (T on the coding strand, the reverse complement: AP4B1 is on the minus strand); the first of 2 consecutive A bases (chr1:113,896,451-113,896,452); duplicating either gives the same sequence. VCF-style (leftmost placement, unchanged base first): chr1-113896450-T-TA. GRCh37 (hg19) VCF-style: chr1-114439072-T-TA.
Other names: p.Ille440TyrfsTer13; c.1020dup, p.Ile341fs (NM_001253853.3); c.813dup, p.Ile272fs (NM_001308312.2); c.1317dup, p.Ile440fs (NM_006594.5); short protein forms I272fs, I440fs, I341fs.
Identifiers: ClinVar variation 1704352 (VCV001704352.3), dbSNP rs2526507579, ClinGen allele CA2580060820.

ClinVar aggregate classification (germline): Pathogenic (1 of 4 stars; one submission).

Conditions:
Hereditary spastic paraplegia 47. Also called: Spastic paraplegia 47, autosomal recessive; CEREBRAL PALSY, SPASTIC QUADRIPLEGIC, 5; adaptor protein 4 (AP-4) deficiency syndrome. Identifiers: Orphanet 280763, MedGen C3279738, MONDO:0013551, OMIM 614066.

Submission:

Foundation for Research in Genetics and Endocrinology, FRIGE's Institute of Human Genetics
Classification: Pathogenic for Hereditary spastic paraplegia 47. Last evaluated: 2022-01-24. Review status: criteria provided, single submitter. Criteria: ACMG Guidelines, 2015. Collection method: clinical testing. Allele origin: germline. Inheritance: Autosomal recessive inheritance. Affected: yes. Observed: 1 homozygote.
Comment: A homozygous single base pair duplication in exon 8 of the AP4B1 gene that results in a frameshift and premature truncation of the protein 13 amino acid downstream to codon 440 was detected.The observed variant c.1317dup (p.Ile440TyrfsTer13) has not been reported in the 1000 genomes and gnomAD databases. The in silico prediction of the variant are possibly damaging by PolyPhen-2 (HumDiv) and damaging by LRT and MutationTaster2. The reference codon is conserved across species.In summary, the variant meets our criteria to be classified as pathogenic.